The following is an entry in ClinVar:

NM_001166108.2(PALLD):c.1965-12754C>A

Gene: PALLD (palladin, cytoskeletal associated protein; plus strand). Cytogenetic location: 4q32.3.
Variant type: single nucleotide variant.
Coding change: c.1965-12754C>A on transcript NM_001166108.2 (MANE Select); 12754 bases into the intron before coding-DNA position 1965, C replaced by A.
Molecular consequence: intron variant. On other transcripts: missense variant (1).
Genome position (GRCh38, 1-based): chr4:168,878,168, C>A. VCF-style: chr4-168878168-C-A. GRCh37 (hg19) VCF-style: chr4-169799319-C-A.
Other names: c.277C>A, p.Pro93Thr (NM_001166110.2); c.1965-12754C>A (NM_016081.4); c.819-12754C>A (NM_001166109.2); c.-157-12754C>A (NM_001367570.1, NM_001367568.1, NM_001367567.1 and 1 more transcripts); short protein forms P93T.
Identifiers: ClinVar variation 4861550 (VCV004861550.1).
Genomic context (GRCh38, chr4:168,878,168, plus strand): 5'-TTCGGCGCTGAGCCCGAGGCCCCGTGGGGCTCCTCCTCGCCGTCGCCCCCGCCCCCGCCA[C>A]CCCCGGTCTTCAGCCCCACGGCTGCCTTCCCGGTGCCCGACGTGTTCCCACTGCCGCCGC-3'

ClinVar aggregate classification (germline): Uncertain significance (1 of 4 stars; one submission).

gnomAD v4.1: 2 of 1,496,930 alleles (0.00013%); highest among the groups gnomAD compares: South Asian, 0.0025%; no homozygotes.

Submission:

Ambry Genetics
Classification: Uncertain significance. Last evaluated: 2026-05-14. Review status: criteria provided, single submitter. Criteria: Ambry Variant Classification Scheme 2023. Collection method: clinical testing. Allele origin: germline.
Comment: The p.P93T variant (also known as c.277C>A), located in coding exon 1 of the PALLD gene, results from a C to A substitution at nucleotide position 277. The proline at codon 93 is replaced by threonine, an amino acid with highly similar properties. This amino acid position is conserved. In addition, this alteration is predicted to be tolerated by in silico analysis. Based on the available evidence, the clinical significance of this variant remains unclear.